The following is an entry in ClinVar:

NM_006254.4(PRKCD):c.925C>G (p.Pro309Ala)

Gene: PRKCD (protein kinase C delta; plus strand). Cytogenetic location: 3p21.1.
Variant type: single nucleotide variant.
Coding change: c.925C>G on transcript NM_006254.4 (MANE Select); coding-DNA position 925, C replaced by G.
Protein change: p.Pro309Ala; replaces proline 309 with alanine.
Molecular consequence: missense variant.
Genome position (GRCh38, 1-based): chr3:53,185,640, C>G. VCF-style: chr3-53185640-C-G. GRCh37 (hg19) VCF-style: chr3-53219656-C-G.
Other names: c.925C>G, p.Pro309Ala (NM_001316327.2, NM_001354679.2, NM_001354680.2 and 1 more transcripts); c.982C>G, p.Pro328Ala (NM_001354676.2); c.973C>G, p.Pro325Ala (NM_001354678.2); short protein forms P309A, P325A, P328A.
Identifiers: ClinVar variation 851463 (VCV000851463.7), dbSNP rs1703647874, ClinGen allele CA353220852.

ClinVar aggregate classification (germline): Uncertain significance. Review status: criteria provided, multiple submitters, no conflicts (2 of 4 stars). 2 submissions from 2 submitters: Uncertain significance (2). Last evaluated 2025-06-18.

Conditions:
Autoimmune lymphoproliferative syndrome, type III caused by mutation in PRKCD. Identifiers: Orphanet 3261, Orphanet 664711, MedGen C3809928, MONDO:8000024, OMIM 615559.
Inborn genetic diseases. Identifiers: MedGen C0950123, MeSH D030342.

Allele frequency attached by ClinVar (database versions not stated): gnomAD exomes below 0.00001; gnomAD 0.00001; TOPMed 0.00001.
gnomAD v4.1: 5 of 1,613,204 alleles (0.00031%); highest among the groups gnomAD compares: African/African-American, 0.0053%; no homozygotes.

Submissions (2):

Ambry Genetics
Classification: Uncertain significance for Inborn genetic diseases. Last evaluated: 2025-06-18. Review status: criteria provided, single submitter. Criteria: Ambry Variant Classification Scheme 2023. Collection method: clinical testing. Allele origin: germline.

Labcorp Genetics (formerly Invitae), Labcorp
Classification: Uncertain significance for Autoimmune lymphoproliferative syndrome, type III caused by mutation in PRKCD. Last evaluated: 2023-11-18. Review status: criteria provided, single submitter. Criteria: Invitae Variant Classification Sherloc (09022015). Collection method: clinical testing. Allele origin: germline.
Comment: This sequence change replaces proline, which is neutral and non-polar, with alanine, which is neutral and non-polar, at codon 309 of the PRKCD protein (p.Pro309Ala). This variant is not present in population databases (gnomAD no frequency). This variant has not been reported in the literature in individuals affected with PRKCD-related conditions. ClinVar contains an entry for this variant (Variation ID: 851463). Algorithms developed to predict the effect of missense changes on protein structure and function output the following: SIFT: "Not Available"; PolyPhen-2: "Benign"; Align-GVGD: "Not Available". The alanine amino acid residue is found in multiple mammalian species, which suggests that this missense change does not adversely affect protein function. In summary, the available evidence is currently insufficient to determine the role of this variant in disease. Therefore, it has been classified as a Variant of Uncertain Significance.